The following is an entry in ClinVar:

ClinVar aggregate classification (germline): Uncertain significance. Review status: criteria provided, single submitter (1 of 4 stars). 2 submissions from 2 submitters: Uncertain significance (1). 1 of the submissions does not count toward it. Last evaluated 2025-01-30.

Conditions:
CDKN1B-related disorder. Also called: CDKN1B-related condition.

Allele frequency attached by ClinVar (database versions not stated): ExAC 0.00003; gnomAD 0.00003; TOPMed 0.00003; gnomAD exomes 0.00004; ESP Exome Variant Server 0.00008.

Submissions (2):

GeneDx
Classification: Uncertain significance. Last evaluated: 2025-01-30. Review status: criteria provided, single submitter. Criteria: GeneDx Variant Classification Process June 2021. Collection method: clinical testing. Allele origin: germline. Affected: yes.
Comment: Not observed at significant frequency in large population cohorts (gnomAD); Has not been previously published as pathogenic or benign to our knowledge; Located in a regulatory region; in the absence of functional studies, the actual effect of this sequence change is unknown

PreventionGenetics, part of Exact Sciences
Classification: Likely benign for CDKN1B-related condition. Last evaluated: 2023-10-04. Review status: no assertion criteria provided. Collection method: clinical testing. Allele origin: germline. Not counted in ClinVar's aggregate classification.
Comment: This variant is classified as likely benign based on ACMG/AMP sequence variant interpretation guidelines (Richards et al. 2015 PMID: 25741868, with internal and published modifications).

NM_004064.5(CDKN1B):c.-24C>T

Gene: CDKN1B (cyclin dependent kinase inhibitor 1B; plus strand). Cytogenetic location: 12p13.1.
Variant type: single nucleotide variant.
Coding change: c.-24C>T on transcript NM_004064.5 (MANE Select); 24 bases upstream of the start codon, C replaced by T.
Molecular consequence: 5 prime UTR variant.
Genome position (GRCh38, 1-based): chr12:12,717,816, C>T. VCF-style: chr12-12717816-C-T. GRCh37 (hg19) VCF-style: chr12-12870750-C-T.
Identifiers: ClinVar variation 3029399 (VCV003029399.3), dbSNP rs368268044, ClinGen allele CA6457345.